The following is an entry in ClinVar:

NM_000137.4(FAH):c.1014C>A (p.Cys338Ter)

Gene: FAH (fumarylacetoacetate hydrolase; plus strand). Cytogenetic location: 15q25.1.
Variant type: single nucleotide variant.
Coding change: c.1014C>A on transcript NM_000137.4 (MANE Select); coding-DNA position 1014, C replaced by A.
Protein change: p.Cys338Ter; replaces cysteine 338 with a stop codon.
Molecular consequence: nonsense.
Genome position (GRCh38, 1-based): chr15:80,180,177, C>A. VCF-style: chr15-80180177-C-A. GRCh37 (hg19) VCF-style: chr15-80472519-C-A.
Other names: c.1014C>A, p.Cys338Ter (NM_001374377.1, NM_001374380.1); short protein forms C338*.
Identifiers: ClinVar variation 5011413 (VCV005011413.1).
Genomic context (GRCh38, chr15:80,180,177, plus strand): 5'-CCTGCAGTACATGTACTGGACGATGCTGCAGCAGCTCACTCACCACTCTGTCAACGGCTG[C>A]AACCTGCGGCCGGGGGACCTCCTGGCTTCTGGGACCATCAGCGGGCCGGTGAGTATCTGG-3'

ClinVar aggregate classification (germline): Pathogenic (1 of 4 stars; one submission).

Conditions:
Tyrosinemia type I (TYRSN1). Also called: FAH DEFICIENCY; HEPATORENAL TYROSINEMIA; Tyrosinemia type 1; Fumarylacetoacetase deficiency; Deficiency of fumarylacetoacetase. Identifiers: Orphanet 882, MedGen C0268490, MONDO:0010161, OMIM 276700. Disease mechanism: loss of function.

Submission:

Myriad Genetics, Inc.
Classification: Pathogenic for Tyrosinemia type I. Last evaluated: 2023-08-21. Review status: criteria provided, single submitter. Criteria: Myriad Autosomal Dominant, Autosomal Recessive and X-Linked Classification Criteria (2023). Collection method: clinical testing. Allele origin: unknown.
Comment: NM_000137.2(FAH):c.1014C>A(C338*) is expected to be pathogenic in the context of tyrosinemia type I. This variant is predicted to lead to an abnormal or absent protein product due to the creation of a premature termination codon in FAH, a gene where loss-of-function variants are known to be pathogenic. Please note: this variant was assessed in the context of healthy population screening.